The following is an entry in ClinVar:

NM_006393.3(NEBL):c.199T>C (p.Phe67Leu)

Gene: NEBL (nebulette; minus strand). Cytogenetic location: 10p12.31.
Variant type: single nucleotide variant.
Coding change: c.199T>C on transcript NM_006393.3 (MANE Select); coding-DNA position 199, T replaced by C.
Protein change: p.Phe67Leu; replaces phenylalanine 67 with leucine.
Molecular consequence: missense variant. On other transcripts: intron variant (9).
Genome position (GRCh38, 1-based): chr10:20,889,904, A>G on the plus strand (T>C on the coding strand, the complement: NEBL is on the minus strand). VCF-style: chr10-20889904-A-G. GRCh37 (hg19) VCF-style: chr10-21178833-A-G.
Other names: c.249+71768T>C (NM_001377326.1, NM_001377327.1, NM_001377328.1); c.357+71768T>C (NM_213569.2, NM_001173484.2, NM_001377322.1); c.300+71768T>C (NM_001377324.1); c.291+71768T>C (NM_001377325.1); c.309+71768T>C (NM_001377323.1); short protein forms F67L.
Identifiers: ClinVar variation 4118409 (VCV004118409.1).

ClinVar aggregate classification (germline): Uncertain significance (1 of 4 stars; one submission).

Submission:

Ambry Genetics
Classification: Uncertain significance. Last evaluated: 2025-08-06. Review status: criteria provided, single submitter. Criteria: Ambry Variant Classification Scheme 2023. Collection method: clinical testing. Allele origin: germline.
Comment: The p.F67L variant (also known as c.199T>C), located in coding exon 3 of the NEBL gene, results from a T to C substitution at nucleotide position 199. The phenylalanine at codon 67 is replaced by leucine, an amino acid with highly similar properties. This amino acid position is conserved. In addition, this alteration is predicted to be tolerated by in silico analysis. Based on the available evidence, the clinical significance of this variant remains unclear.